The following is an entry in ClinVar:

NM_000202.8(IDS):c.907T>C (p.Ser303Pro)

Genes: IDS (iduronate 2-sulfatase; minus strand), LOC106050102 (IDS recombination region; plus strand). Cytogenetic location: Xq28.
Variant type: single nucleotide variant.
Coding change: c.907T>C on transcript NM_000202.8 (MANE Select); coding-DNA position 907, T replaced by C.
Protein change: p.Ser303Pro; replaces serine 303 with proline.
Molecular consequence: missense variant. On other transcripts: non-coding transcript variant (1).
Genome position (GRCh38, 1-based): chrX:149,490,413, A>G on the plus strand (T>C on the coding strand, the complement: IDS is on the minus strand). VCF-style: chrX-149490413-A-G. GRCh37 (hg19) VCF-style: chrX-148571944-A-G.
Other names: c.637T>C, p.Ser213Pro (NM_001166550.4); c.907T>C, p.Ser303Pro (NM_006123.5); short protein forms S213P, S303P.
Identifiers: ClinVar variation 3255878 (VCV003255878.2).

ClinVar aggregate classification (germline): Likely pathogenic (1 of 4 stars; one submission).

Conditions:
Mucopolysaccharidosis, MPS-II (MPS2). Also called: Hunter Syndrome; IDURONATE 2-SULFATASE DEFICIENCY; Mucopolysaccharidosis Type II; Mucopolysaccharidosis type 2; Attenuated MPS (subtype; formerly known as mild MPS II); Severe MPS II. Identifiers: Orphanet 580, Orphanet 79388, MedGen C0026705, MONDO:0010674, OMIM 309900.

Submission:

Laboratory of Diagnosis and Therapy of Lysosomal Disorders, University of Padova
Classification: Likely pathogenic for Mucopolysaccharidosis, MPS-II. Last evaluated: 2024-06-07. Review status: criteria provided, single submitter. Criteria: ACMG Guidelines, 2015. Collection method: literature only. Allele origin: germline. Affected: yes. Observed: 1 variant allele.
Comment: Absent from controls (or at low frequency) in gnomAD database (PM2_Moderate), Missense variant in a gene with a low rate of benign missense variation (PP2_Supporting), Multiple lines of computational evidence support a deleterious effect (PP3_Supporting), Patient’s phenotype or family history highly specific for the disease (PP4_Strong)

Classification method: ACMG Guidelines [PMID:25741868] with modifications

Literature cited by the submitters: PubMed 36945845.